The following is an entry in ClinVar:

ClinVar aggregate classification (germline): Uncertain significance (1 of 4 stars; one submission).

Conditions:
Nephronophthisis 14 (NPHP14). Identifiers: Orphanet 2318, MedGen C3539071, MONDO:0013916, OMIM 614844.

Allele frequency attached by ClinVar (database versions not stated): ExAC 0.00001.
gnomAD v4.1: 2 of 1,614,174 alleles (0.00012%); highest among the groups gnomAD compares: Non-Finnish European, 0.00017%; no homozygotes.

Submission:

Labcorp Genetics (formerly Invitae), Labcorp
Classification: Uncertain significance for Nephronophthisis 14. Last evaluated: 2022-04-11. Review status: criteria provided, single submitter. Criteria: Invitae Variant Classification Sherloc (09022015). Collection method: clinical testing. Allele origin: germline.
Comment: This sequence change replaces aspartic acid, which is acidic and polar, with asparagine, which is neutral and polar, at codon 418 of the ZNF423 protein (p.Asp418Asn). In summary, the available evidence is currently insufficient to determine the role of this variant in disease. Therefore, it has been classified as a Variant of Uncertain Significance. Algorithms developed to predict the effect of missense changes on protein structure and function are either unavailable or do not agree on the potential impact of this missense change (SIFT: "Deleterious"; PolyPhen-2: "Benign"; Align-GVGD: "Class C0"). This variant has not been reported in the literature in individuals affected with ZNF423-related conditions. This variant is present in population databases (rs780636926, gnomAD 0.0009%).

NM_001379286.1(ZNF423):c.1276G>A (p.Asp426Asn)

Gene: ZNF423 (zinc finger protein 423; minus strand). Cytogenetic location: 16q12.1.
Variant type: single nucleotide variant.
Coding change: c.1276G>A on transcript NM_001379286.1 (MANE Select); coding-DNA position 1276, G replaced by A.
Protein change: p.Asp426Asn; replaces aspartic acid 426 with asparagine.
Molecular consequence: missense variant.
Genome position (GRCh38, 1-based): chr16:49,637,900, C>T on the plus strand (G>A on the coding strand, the complement: ZNF423 is on the minus strand). VCF-style: chr16-49637900-C-T. GRCh37 (hg19) VCF-style: chr16-49671811-C-T.
Other names: c.1072G>A, p.Asp358Asn (NM_001271620.2); c.901G>A, p.Asp301Asn (NM_001330533.2); c.1252G>A, p.Asp418Asn (NM_015069.5); short protein forms D301N, D426N, D358N, D418N.
Identifiers: ClinVar variation 2192203 (VCV002192203.4), dbSNP rs780636926, ClinGen allele CA8046712.
Genomic context (GRCh38, chr16:49,637,900, plus strand): 5'-GGGGCTTGTCCGCGTGGATGGTCTTCAGGTGGATCTCCAGCACGGCCAGGCTGTTAAAGT[C>T]CCGCTTGGAACAATAGGGGCAGCTATAGACCACCTTGGTCCAGCCCTGCCCGTCATCCCG-3'
Protein context (NP_001366215.1, residues 416-436): VYSCPYCSKR[Asp426Asn]FNSLAVLEIH